The following is an entry in ClinVar:

NM_000307.5(POU3F4):c.1086_*3del (p.Ter362TrpextTer?)

Gene: POU3F4 (POU class 3 homeobox 4; plus strand). Cytogenetic location: Xq21.1.
Variant type: Deletion.
Coding change: c.1086_*3del on transcript NM_000307.5 (MANE Select); coding-DNA position 1086 through 3 bases downstream of the stop codon, 4 bases deleted (ACTG; older notation c.1086_*3delACTG).
Protein change: p.Ter362TrpextTer?.
Molecular consequence: frameshift variant, stop lost.
Genome position (GRCh38, 1-based): chrX:83,509,410-83,509,413, ACTG deleted; deleting any 4 consecutive bases within chrX:83,509,407-83,509,413 gives the same sequence; the c. name uses the placement nearest the transcript's 3' end. VCF-style (leftmost placement, unchanged base first): chrX-83509406-TCTGA-T. GRCh37 (hg19) VCF-style: chrX-82764414-TCTGA-T.
Identifiers: ClinVar variation 164976 (VCV000164976.5), dbSNP rs727503377, ClinGen allele CA273213.

ClinVar aggregate classification (germline): Likely pathogenic (1 of 4 stars; one submission).

Conditions:
Rare genetic deafness. Identifiers: Orphanet 96210, MedGen C5680250.

Submission:

Laboratory for Molecular Medicine, Mass General Brigham Personalized Medicine
Classification: Likely pathogenic for Rare genetic deafness. Last evaluated: 2013-12-27. Review status: criteria provided, single submitter. Criteria: LMM Criteria. Collection method: clinical testing. Allele origin: germline. Inheritance: X-linked inheritance. Observed: 2 variant alleles.
Comment: The X362fs variant in POU3F4 has not been previously reported in individuals wit h hearing loss or in large population studies. This nonstop extension variant al ters the normal stop codon at position 362 leading to the addition of 106 amino acids and significant loss of the 3? untranslated region (3'UTR). Two similar ex tension variants in POU3F4, that also cause disruption of the stop codon and los s of the 3?UTR, have been reported in two individuals with hearing loss (Choi 20 13). Functional analyses reveal that these variants alter the protein?s expressi on, localization and function (Choi 2013); however, functional studies are neede d to determine whether the variant in this individual would have the same impact on the protein. In summary, this variant is likely to be pathogenic, though add itional studies are required to fully establish its clinical significance.

Literature cited by the submitters: PubMed 23076972.